The following is an entry in ClinVar:

ClinVar aggregate classification (germline): Benign/Likely benign. Review status: criteria provided, multiple submitters, no conflicts (2 of 4 stars). 6 submissions from 6 submitters: Benign (3); Likely benign (3). Last evaluated 2026-01-09.

Conditions:
Emery-Dreifuss muscular dystrophy 4, autosomal dominant (EDMD4). Also called: EMERY-DREIFUSS MUSCULAR DYSTROPHY 4 WITH VARIABLE FEATURES. Identifiers: Orphanet 261, MedGen C2751807, MONDO:0013071, OMIM 612998.
Autosomal recessive ataxia, Beauce type. Also called: Spinocerebellar ataxia, autosomal recessive 8; SYNE1-Related Autosomal Recessive Cerebellar Ataxia; SYNE1 Deficiency; ATAXIA, RECESSIVE, OF BEAUCE. Identifiers: Orphanet 88644, MedGen C1853116, MONDO:0012549, OMIM 610743.

Allele frequency attached by ClinVar (database versions not stated): gnomAD exomes 0.00016 and 0.00039; ExAC 0.00050; 1000 Genomes Project 30x 0.00078; 1000 Genomes Project 0.00080; gnomAD 0.00159 and 0.00173; TOPMed 0.00186; ESP Exome Variant Server 0.00246.
gnomAD v4.1: 487 of 1,614,154 alleles (0.03%); highest among the groups gnomAD compares: African/African-American, 0.58%; 1 homozygote.

Submissions (6):

Labcorp Genetics (formerly Invitae), Labcorp
Classification: Benign for Emery-Dreifuss muscular dystrophy 4, autosomal dominant; Autosomal recessive ataxia, Beauce type. Last evaluated: 2026-01-09. Review status: criteria provided, single submitter. Criteria: Invitae Variant Classification Sherloc (09022015). Collection method: clinical testing. Allele origin: germline.

Athena Diagnostics
Classification: Benign. Last evaluated: 2025-03-12. Review status: criteria provided, single submitter. Criteria: Athena Diagnostics Criteria. Collection method: clinical testing. Allele origin: unknown.
Comment: The frequency of this variant in the general population is higher than would generally be expected for pathogenic variants in this gene.

Blueprint Genetics
Classification: Likely benign. Last evaluated: 2024-08-28. Review status: criteria provided, single submitter. Criteria: ACMG Guidelines, 2015. Collection method: clinical testing. Allele origin: germline.

GeneDx
Classification: Likely benign. Last evaluated: 2019-11-25. Review status: criteria provided, single submitter. Criteria: GeneDx Variant Classification Process June 2021. Collection method: clinical testing. Allele origin: germline. Affected: yes.

Eurofins Ntd Llc (ga)
Classification: Benign. Last evaluated: 2015-12-08. Review status: criteria provided, single submitter. Criteria: EGL Classification Definitions 2015. Collection method: clinical testing. Allele origin: germline. Observed: 1 variant allele, 1 heterozygote.

Breakthrough Genomics
Classification: Likely benign. Review status: criteria provided, single submitter. Criteria: ACMG Guidelines, 2015. Collection method: not provided. Allele origin: germline. Inheritance: Autosomal recessive inheritance. Affected: yes.

NM_182961.4(SYNE1):c.20646G>A (p.Ser6882=)

Gene: SYNE1 (spectrin repeat containing nuclear envelope protein 1; minus strand). Cytogenetic location: 6q25.2.
Variant type: single nucleotide variant.
Coding change: c.20646G>A on transcript NM_182961.4 (MANE Select); coding-DNA position 20646, G replaced by A.
Protein change: p.Ser6882=; no amino-acid change (serine 6882 retained).
Molecular consequence: synonymous variant.
Genome position (GRCh38, 1-based): chr6:152,233,847, C>T on the plus strand (G>A on the coding strand, the complement: SYNE1 is on the minus strand). VCF-style: chr6-152233847-C-T. GRCh37 (hg19) VCF-style: chr6-152554982-C-T.
Other names: c.20433G>A, p.Ser6811= (NM_033071.5).
Identifiers: ClinVar variation 285142 (VCV000285142.23), dbSNP rs138628147, ClinGen allele CA4054372.
Genomic context (GRCh38, chr6:152,233,847, plus strand): 5'-GAGCTTCTCCTGGACGGCTGGGATATTGGTTAGCAGGTCAGTCCACTGGCTATCAATGCG[C>T]GACAGCTCAGAGCGCAGCGTGGCTGTGTCCACCTTTTTTAGTCGAAGGAGCTGATTTCCA-3'
Protein context (NP_892006.3, residues 6872-6892): VDTATLRSEL[Ser6882=]RIDSQWTDLL